The following is an entry in ClinVar:

NM_001290043.2(TAP2):c.814_815delinsC (p.Leu272fs)

Gene: TAP2 (transporter 2, ATP binding cassette subfamily B member; minus strand). Cytogenetic location: 6p21.32.
Variant type: Indel.
Coding change: c.814_815delinsC on transcript NM_001290043.2 (MANE Select); coding-DNA positions 814 to 815, TT replaced by C.
Protein change: p.Leu272fs; shifts the reading frame from leucine 272.
Molecular consequence: frameshift variant.
Genome position (GRCh38, 1-based): chr6:32,835,284-32,835,285, AA replaced by G on the plus strand (TT replaced by C on the coding strand, the reverse complement: TAP2 is on the minus strand). VCF-style: chr6-32835284-AA-G. GRCh37 (hg19) VCF-style: chr6-32803061-AA-G.
Other names: c.814_815delinsC, p.Leu272fs (NM_000544.3, NM_018833.3); short protein forms L272fs.
Identifiers: ClinVar variation 2501118 (VCV002501118.1), dbSNP rs1769342165, ClinGen allele CA2580614858.

ClinVar aggregate classification (germline): Likely pathogenic (1 of 4 stars; one submission).

Conditions:
MHC class I deficiency. Identifiers: Orphanet 34592, MedGen C6024714, MONDO:0011476.

Submission:

Women's Health and Genetics/Laboratory Corporation of America, LabCorp
Classification: Likely pathogenic for MHC class I deficiency 1. Last evaluated: 2023-03-08. Review status: criteria provided, single submitter. Criteria: LabCorp Variant Classification Summary - May 2015. Collection method: clinical testing. Allele origin: germline.
Comment: Variant summary: TAP2 c.814_815delinsC (p.Leu272ArgfsX5) results in a premature termination codon, predicted to cause a truncation of the encoded protein or absence of the protein due to nonsense mediated decay, which are commonly known mechanisms for disease. Truncations downstream of this position have been classified as pathogenic in ClinVar and reported in association with HLA class I deficiency in HGMD. The variant was absent in 278132 control chromosomes. To our knowledge, no occurrence of c.814_815delinsC in individuals affected with MHC Class I Deficiency and no experimental evidence demonstrating its impact on protein function have been reported. No clinical diagnostic laboratories have submitted clinical-significance assessments for this variant to ClinVar after 2014. Based on the evidence outlined above, the variant was classified as likely pathogenic.